The following is an entry in ClinVar:

NM_001105206.3(LAMA4):c.504-2A>G

Gene: LAMA4 (laminin subunit alpha 4; minus strand). Cytogenetic location: 6q21.
Variant type: single nucleotide variant.
Coding change: c.504-2A>G on transcript NM_001105206.3 (MANE Select); the canonical splice acceptor site of the intron before coding-DNA position 504, A replaced by G.
Molecular consequence: splice acceptor variant.
Genome position (GRCh38, 1-based): chr6:112,191,852, T>C on the plus strand (A>G on the coding strand, the complement: LAMA4 is on the minus strand). VCF-style: chr6-112191852-T-C. GRCh37 (hg19) VCF-style: chr6-112513054-T-C.
Other names: c.504-2A>G (NM_002290.5, NM_001105207.3).
Identifiers: ClinVar variation 3222055 (VCV003222055.1), dbSNP rs782227656, ClinGen allele CA3966107.

ClinVar aggregate classification (germline): Uncertain significance (1 of 4 stars; one submission).

Conditions:
Cardiovascular phenotype. Identifiers: MedGen CN230736.

Allele frequency attached by ClinVar (database versions not stated): gnomAD 0.00001; gnomAD exomes 0.00001; ExAC 0.00002; TOPMed 0.00002.
gnomAD v4.1: 11 of 1,600,220 alleles (0.00069%); highest among the groups gnomAD compares: African/African-American, 0.0027%; no homozygotes.

Submission:

Ambry Genetics
Classification: Uncertain significance for Cardiovascular phenotype. Last evaluated: 2023-12-02. Review status: criteria provided, single submitter. Criteria: Ambry Variant Classification Scheme 2023. Collection method: clinical testing. Allele origin: germline.
Comment: The c.504-2A>G intronic variant results from an A to G substitution two nucleotides before coding exon 5 in the LAMA4 gene. This nucleotide position is highly conserved in available vertebrate species. In silico splice site analysis predicts that this alteration will weaken the native splice acceptor site. Alterations that disrupt the canonical splice site are expected to cause aberrant splicing, resulting in an abnormal protein or a transcript that is subject to nonsense-mediated mRNA decay. However, loss of function of LAMA4 has not been established as a mechanism of disease. The evidence for this gene-disease relationship is limited; therefore, the clinical significance of this alteration is unclear.